The following is an entry in ClinVar:

ClinVar aggregate classification (germline): Uncertain significance (1 of 4 stars; one submission).

Conditions:
Nemaline myopathy 2 (NEM2). Also called: Nemaline myopathy 2, autosomal recessive. Identifiers: MedGen C1850569, MONDO:0009725, OMIM 256030.

Allele frequency attached by ClinVar (database versions not stated): gnomAD exomes 0.00001.
gnomAD v4.1: 5 of 1,613,930 alleles (0.00031%); highest among the groups gnomAD compares: Non-Finnish European, 0.00042%; no homozygotes.

Submission:

Labcorp Genetics (formerly Invitae), Labcorp
Classification: Uncertain significance for Nemaline myopathy 2. Last evaluated: 2024-02-17. Review status: criteria provided, single submitter. Criteria: Invitae Variant Classification Sherloc (09022015). Collection method: clinical testing. Allele origin: germline.
Comment: This sequence change replaces glutamine, which is neutral and polar, with arginine, which is basic and polar, at codon 1121 of the NEB protein (p.Gln1121Arg). This variant is not present in population databases (gnomAD no frequency). This variant has not been reported in the literature in individuals affected with NEB-related conditions. ClinVar contains an entry for this variant (Variation ID: 577367). Experimental studies and prediction algorithms are not available or were not evaluated, and the functional significance of this variant is currently unknown. In summary, the available evidence is currently insufficient to determine the role of this variant in disease. Therefore, it has been classified as a Variant of Uncertain Significance.

NM_001164508.2(NEB):c.3362A>G (p.Gln1121Arg)

Gene: NEB (nebulin; minus strand). Cytogenetic location: 2q23.3.
Variant type: single nucleotide variant.
Coding change: c.3362A>G on transcript NM_001164508.2 (MANE Select); coding-DNA position 3362, A replaced by G.
Protein change: p.Gln1121Arg; replaces glutamine 1121 with arginine.
Molecular consequence: missense variant.
Genome position (GRCh38, 1-based): chr2:151,678,081, T>C on the plus strand (A>G on the coding strand, the complement: NEB is on the minus strand). VCF-style: chr2-151678081-T-C. GRCh37 (hg19) VCF-style: chr2-152534595-T-C.
Other names: c.3362A>G, p.Gln1121Arg (NM_001164507.2, NM_001271208.2, NM_004543.5); short protein forms Q1121R.
Identifiers: ClinVar variation 577367 (VCV000577367.8), dbSNP rs1559152642, ClinGen allele CA348819282.